The following is an entry in ClinVar:

ClinVar aggregate classification (germline): Uncertain significance. Review status: criteria provided, multiple submitters, no conflicts (2 of 4 stars). 2 submissions from 2 submitters: Uncertain significance (2). Last evaluated 2023-02-10.

Conditions:
Familial hemophagocytic lymphohistiocytosis 2 (FHL2). Also called: PRF1-Related Familial Hemophagocytic Lymphohistiocytosis (PRF1-fHLH). Identifiers: Orphanet 540, MedGen C1863727, MONDO:0011337, OMIM 603553.

gnomAD v4.1: 1 of 1,614,224 alleles (0.000062%); highest among the groups gnomAD compares: Non-Finnish European, 0.000085%; no homozygotes.

Submissions (2):

GeneDx
Classification: Uncertain significance. Last evaluated: 2023-02-10. Review status: criteria provided, single submitter. Criteria: GeneDx Variant Classification Process June 2021. Collection method: clinical testing. Allele origin: germline. Affected: yes.
Comment: Not observed at significant frequency in large population cohorts (gnomAD); In silico analysis supports that this missense variant has a deleterious effect on protein structure/function; Has not been previously published as pathogenic or benign to our knowledge

Labcorp Genetics (formerly Invitae), Labcorp
Classification: Uncertain significance for Familial hemophagocytic lymphohistiocytosis 2. Last evaluated: 2022-07-04. Review status: criteria provided, single submitter. Criteria: Invitae Variant Classification Sherloc (09022015). Collection method: clinical testing. Allele origin: germline.
Comment: In summary, the available evidence is currently insufficient to determine the role of this variant in disease. Therefore, it has been classified as a Variant of Uncertain Significance. Algorithms developed to predict the effect of missense changes on protein structure and function are either unavailable or do not agree on the potential impact of this missense change (SIFT: "Deleterious"; PolyPhen-2: "Probably Damaging"; Align-GVGD: "Class C0"). This variant has not been reported in the literature in individuals affected with PRF1-related conditions. This variant is not present in population databases (gnomAD no frequency). This sequence change replaces cysteine, which is neutral and slightly polar, with serine, which is neutral and polar, at codon 497 of the PRF1 protein (p.Cys497Ser).

NM_001083116.3(PRF1):c.1490G>C (p.Cys497Ser)

Gene: PRF1 (perforin 1; minus strand). Cytogenetic location: 10q22.1.
Variant type: single nucleotide variant.
Coding change: c.1490G>C on transcript NM_001083116.3 (MANE Select); coding-DNA position 1490, G replaced by C.
Protein change: p.Cys497Ser; replaces cysteine 497 with serine.
Molecular consequence: missense variant.
Genome position (GRCh38, 1-based): chr10:70,598,231, C>G on the plus strand (G>C on the coding strand, the complement: PRF1 is on the minus strand). VCF-style: chr10-70598231-C-G. GRCh37 (hg19) VCF-style: chr10-72357987-C-G.
Other names: c.1490G>C, p.Cys497Ser (NM_005041.6); short protein forms C497S.
Identifiers: ClinVar variation 1996433 (VCV001996433.3), dbSNP rs1848155727, ClinGen allele CA376955435.